The following is an entry in ClinVar:

NM_001205293.3(CACNA1E):c.3581C>T (p.Thr1194Met)

Gene: CACNA1E (calcium voltage-gated channel subunit alpha1 E; plus strand). Cytogenetic location: 1q25.3.
Variant type: single nucleotide variant.
Coding change: c.3581C>T on transcript NM_001205293.3 (MANE Select); coding-DNA position 3581, C replaced by T.
Protein change: p.Thr1194Met; replaces threonine 1194 with methionine.
Molecular consequence: missense variant.
Genome position (GRCh38, 1-based): chr1:181,738,395, C>T. VCF-style: chr1-181738395-C-T. GRCh37 (hg19) VCF-style: chr1-181707531-C-T.
Other names: p.Thr1194Met; c.3581C>T, p.Thr1194Met (NM_000721.4); c.3524C>T, p.Thr1175Met (NM_001205294.2); short protein forms T1175M, T1194M.
Identifiers: ClinVar variation 2682679 (VCV002682679.1), dbSNP rs1351471209, ClinGen allele CA343622167.

ClinVar aggregate classification (germline): Uncertain significance (1 of 4 stars; one submission).

Allele frequency attached by ClinVar (database versions not stated): gnomAD exomes below 0.00001.
gnomAD v4.1: 4 of 1,613,850 alleles (0.00025%); highest among the groups gnomAD compares: Non-Finnish European, 0.00034%; no homozygotes.

Submission:

Mayo Clinic Laboratories, Mayo Clinic
Classification: Uncertain significance. Last evaluated: 2022-10-07. Review status: criteria provided, single submitter. Criteria: ACMG Guidelines, 2015. Collection method: clinical testing. Allele origin: germline. Observed: 1 variant allele.
Comment: PP3